The following is an entry in ClinVar:

NM_021956.5(GRIK2):c.1119C>T (p.Gly373=)

Gene: GRIK2 (glutamate ionotropic receptor kainate type subunit 2; plus strand). Cytogenetic location: 6q16.3.
Variant type: single nucleotide variant.
Coding change: c.1119C>T on transcript NM_021956.5 (MANE Select); coding-DNA position 1119, C replaced by T.
Protein change: p.Gly373=; no amino-acid change (glycine 373 retained).
Molecular consequence: synonymous variant.
Genome position (GRCh38, 1-based): chr6:101,802,354, C>T. VCF-style: chr6-101802354-C-T. GRCh37 (hg19) VCF-style: chr6-102250229-C-T.
Other names: c.1119C>T, p.Gly373= (NM_001166247.1, NM_175768.3).
Identifiers: ClinVar variation 2656790 (VCV002656790.25), dbSNP rs771193417, ClinGen allele CA3939513.
Genomic context (GRCh38, chr6:101,802,354, plus strand): 5'-TCACTTATTTATTATCAATGTTTTTCTATTCCCATAGGCACATTGGGAAGGCCTCACAGG[C>T]AGAATAACTTTCAACAAAACCAATGGCTTGAGAACAGATTTTGATTTGGATGTGATCAGT-3'
Protein context (NP_068775.1, residues 363-383): IKEAHWEGLT[Gly373=]RITFNKTNGL

ClinVar aggregate classification (germline): Conflicting classifications of pathogenicity. Review status: criteria provided, conflicting classifications (1 of 4 stars). 2 submissions from 2 submitters: Uncertain significance (1); Likely benign (1). Last evaluated 2026-02-01.

Allele frequency attached by ClinVar (database versions not stated): TOPMed below 0.00001; gnomAD exomes 0.00001; ExAC 0.00004.
gnomAD v4.1: 23 of 1,574,314 alleles (0.0015%); highest among the groups gnomAD compares: East Asian, 0.0069%; no homozygotes.

Submissions (2):

CeGaT Center for Human Genetics Tuebingen
Classification: Likely benign. Last evaluated: 2026-02-01. Review status: criteria provided, single submitter. Criteria: CeGaT Center For Human Genetics Tuebingen Variant Classification Criteria Version 2. Collection method: clinical testing. Allele origin: germline. Affected: yes. Observed: 4 variant alleles.
Comment: GRIK2: BP4, BP7

Blueprint Genetics
Classification: Uncertain significance. Last evaluated: 2024-09-16. Review status: criteria provided, single submitter. Criteria: ACMG Guidelines, 2015. Collection method: clinical testing. Allele origin: germline.